The following is an entry in ClinVar:

NM_201253.3(CRB1):c.3988del (p.Glu1330fs)

Gene: CRB1 (crumbs cell polarity complex component 1; plus strand). Cytogenetic location: 1q31.3.
Variant type: Deletion.
Coding change: c.3988del on transcript NM_201253.3 (MANE Select); coding-DNA position 3988, one base deleted (G; older notation c.3988delG).
Protein change: p.Glu1330fs; shifts the reading frame from glutamic acid 1330.
Molecular consequence: frameshift variant. On other transcripts: non-coding transcript variant (2).
Genome position (GRCh38, 1-based): chr1:197,442,275, G deleted. VCF-style (leftmost placement, unchanged base first): chr1-197442274-CG-C. GRCh37 (hg19) VCF-style: chr1-197411404-CG-C.
Other names: c.3988delG (NM_201253.2, NM_201253.3); c.3652del, p.Glu1218fs (NM_001193640.2); c.3916del, p.Glu1306fs (NM_001257965.2); c.2380del, p.Glu794fs (NM_001257966.2); short protein forms E1306fs, E1330fs, E1218fs, E794fs.
Identifiers: ClinVar variation 377183 (VCV000377183.25), dbSNP rs1057520152, ClinGen allele CA16603291.

ClinVar aggregate classification (germline): Pathogenic/Likely pathogenic. Review status: criteria provided, multiple submitters, no conflicts (2 of 4 stars). 13 submissions from 11 submitters: Pathogenic (7); Likely pathogenic (3). 3 of the submissions do not count toward it. Last evaluated 2025-11-10.

Conditions:
CRB1-related disorder. Also called: CRB1-related disorders; CRB1-related condition.
Leber congenital amaurosis (LCA). Also called: Leber's amaurosis. Identifiers: Orphanet 65, MedGen C0339527, MeSH D057130, MONDO:0018998.
Leber congenital amaurosis 8 (LCA8). Identifiers: Orphanet 65, MedGen C3151202, MONDO:0013453, OMIM 613835.
Pigmented paravenous retinochoroidal atrophy. Identifiers: Orphanet 251295, MedGen C1868310, MONDO:0008246, OMIM 172870.
Retinitis pigmentosa 12 (RP12). Also called: RP WITH OR WITHOUT PRESERVED PARAARTERIOLE RETINAL PIGMENT EPITHELIUM; RETINITIS PIGMENTOSA WITH OR WITHOUT PARAARTERIOLAR PRESERVATION OF RETINAL PIGMENT EPITHELIUM; RP WITH OR WITHOUT PPRPE. Identifiers: Orphanet 791, MedGen C1838647, MONDO:0010818, OMIM 600105.

Allele frequency attached by ClinVar (database versions not stated): TOPMed 0.00001; gnomAD exomes 0.00002.

Submissions (13):

Natera, Inc.
Classification: Pathogenic for Leber congenital amaurosis. Last evaluated: 2025-11-10. Review status: criteria provided, single submitter. Criteria: Natera Variant Classification Schema (03/2026). Collection method: clinical testing. Allele origin: germline.
Comment: The c.3988delG variant in CRB1 is a frameshift variant predicted to shift the reading frame beginning at codon 1330 and leads to a stop codon 11 codons downstream. This variant is expected to result in nonsense mediated decay, truncation, or a dysfunctional protein product. This variant is rare in the general population with a frequency below the threshold expected for the associated phenotype(s). Given the available evidence, this variant is classified as Pathogenic.

Revvity Omics, Revvity
Classification: Pathogenic. Last evaluated: 2025-04-11. Review status: criteria provided, single submitter. Criteria: ACMG Guidelines, 2015. Collection method: clinical testing. Allele origin: germline.

Fulgent Genetics
Classification: Pathogenic for Pigmented paravenous retinochoroidal atrophy; Retinitis pigmentosa 12; Leber congenital amaurosis 8. Last evaluated: 2024-05-10. Review status: criteria provided, single submitter. Criteria: ACMG Guidelines, 2015. Collection method: clinical testing. Allele origin: germline.

Labcorp Genetics (formerly Invitae), Labcorp
Classification: Pathogenic for Leber congenital amaurosis 8; Retinitis pigmentosa 12. Last evaluated: 2023-12-19. Review status: criteria provided, single submitter. Criteria: Invitae Variant Classification Sherloc (09022015). Collection method: clinical testing. Allele origin: germline.
Comment: This sequence change creates a premature translational stop signal (p.Glu1330Serfs*11) in the CRB1 gene. While this is not anticipated to result in nonsense mediated decay, it is expected to disrupt the last 77 amino acid(s) of the CRB1 protein. This variant is not present in population databases (gnomAD no frequency). This premature translational stop signal has been observed in individual(s) with Leber congenital amaurosis (PMID: 15024725). ClinVar contains an entry for this variant (Variation ID: 377183). This variant disrupts a region of the CRB1 protein in which other variant(s) (p.Arg1390*) have been determined to be pathogenic (PMID: 23379534, 24715753, 29068479). This suggests that this is a clinically significant region of the protein, and that variants that disrupt it are likely to be disease-causing. For these reasons, this variant has been classified as Pathogenic.

Baylor Genetics
Classification: Pathogenic for Leber congenital amaurosis 8. Last evaluated: 2023-10-17. Review status: criteria provided, single submitter. Criteria: ACMG Guidelines, 2015. Collection method: clinical testing. Allele origin: unknown.

Genome-Nilou Lab
Classification: Likely pathogenic for Leber congenital amaurosis 8. Last evaluated: 2023-04-11. Review status: criteria provided, single submitter. Criteria: ACMG Guidelines, 2015. Collection method: clinical testing. Allele origin: germline. Affected: no.

Genome-Nilou Lab
Classification: Likely pathogenic for Pigmented paravenous retinochoroidal atrophy. Last evaluated: 2023-04-11. Review status: criteria provided, single submitter. Criteria: ACMG Guidelines, 2015. Collection method: clinical testing. Allele origin: germline. Affected: no.

Genome-Nilou Lab
Classification: Likely pathogenic for Retinitis pigmentosa 12. Last evaluated: 2023-04-11. Review status: criteria provided, single submitter. Criteria: ACMG Guidelines, 2015. Collection method: clinical testing. Allele origin: germline. Affected: no.

Blueprint Genetics
Classification: Pathogenic for CRB1-related disorders. Last evaluated: 2021-07-16. Review status: criteria provided, single submitter. Criteria: ACMG Guidelines, 2015. Collection method: clinical testing. Allele origin: germline. Affected: yes. Observed: 5 variant alleles.

Center for Pediatric Genomic Medicine, Children's Mercy Hospital and Clinics
Classification: Pathogenic. Last evaluated: 2016-09-28. Review status: criteria provided, single submitter. Criteria: ACMG Guidelines, 2015. Collection method: clinical testing. Allele origin: germline.

Clinical Genetics, Academic Medical Center
Classification: Likely pathogenic. Review status: no assertion criteria provided. Collection method: clinical testing. Allele origin: germline. Affected: yes. Study: VKGL Data-share Consensus. Not counted in ClinVar's aggregate classification.

Joint Genome Diagnostic Labs from Nijmegen and Maastricht, Radboudumc and MUMC+
Classification: Pathogenic. Review status: no assertion criteria provided. Collection method: clinical testing. Allele origin: germline. Affected: yes. Study: VKGL Data-share Consensus. Not counted in ClinVar's aggregate classification.

Laboratory of Genetics in Ophthalmology, Institut Imagine
Classification: Pathogenic for Leber congenital amaurosis 8. Review status: no assertion criteria provided. Collection method: research. Allele origin: inherited. Affected: yes. Observed: 2 variant alleles. Not counted in ClinVar's aggregate classification.

Literature cited by the submitters: PubMed 15024725 (cited by Labcorp Genetics (formerly Invitae), Labcorp and Laboratory of Genetics in Ophthalmology, Institut Imagine); PubMed 23379534 (cited by Labcorp Genetics (formerly Invitae), Labcorp); PubMed 24715753 (cited by Labcorp Genetics (formerly Invitae), Labcorp); PubMed 29068479 (cited by Labcorp Genetics (formerly Invitae), Labcorp).